The following is an entry in ClinVar:

ClinVar aggregate classification (germline): Pathogenic (1 of 4 stars; one submission).

Conditions:
Neurodevelopmental disorder. Identifiers: MedGen C1535926, MeSH D065886, MONDO:0700092.

Submission:

Greenwood Genetic Center Diagnostic Laboratories, Greenwood Genetic Center
Classification: Pathogenic for Neurodevelopmental disorder. Last evaluated: 2023-12-21. Review status: criteria provided, single submitter. Criteria: ACMG Guidelines, 2015. Collection method: clinical testing. Allele origin: germline. Affected: yes.
Comment: PVS1, PS2, PM2

NM_001281775.3(ZMYND8):c.1960_1964del (p.Lys654fs)

Gene: ZMYND8 (zinc finger MYND-type containing 8; minus strand). Cytogenetic location: 20q13.12.
Variant type: Deletion.
Coding change: c.1960_1964del on transcript NM_001281775.3 (MANE Select); coding-DNA positions 1960 to 1964, 5 bases deleted (AAAAA; older notation c.1960_1964delAAAAA).
Protein change: p.Lys654fs; shifts the reading frame from lysine 654.
Molecular consequence: frameshift variant.
Genome position (GRCh38, 1-based): chr20:47,246,328-47,246,332, TTTTT deleted on the plus strand (AAAAA on the coding strand, the reverse complement: ZMYND8 is on the minus strand); deleting any 5 consecutive bases within chr20:47,246,328-47,246,335 gives the same sequence; the c. name uses the placement nearest the transcript's 3' end. VCF-style (leftmost placement, unchanged base first): chr20-47246327-CTTTTT-C. GRCh37 (hg19) VCF-style: chr20-45875071-CTTTTT-C.
Other names: c.1885_1889del, p.Lys629fs (NM_001281771.3, NM_001281777.3, NM_001281778.3 and 2 more transcripts); c.1900_1904del, p.Lys634fs (NM_001281772.3, NM_001281773.3, NM_001281774.3 and 1 more transcripts); c.1960_1964del, p.Lys654fs (NM_001281776.3, NM_001281783.3, NM_012408.6 and 1 more transcripts); c.1156_1160del, p.Lys386fs (NM_001281779.3, NM_001281780.3); c.1744_1748del, p.Lys582fs (NM_001281781.3, NM_001281784.3); c.1981_1985del, p.Lys661fs (NM_001363714.1); short protein forms K634fs, K386fs, K629fs, K661fs, K654fs, K582fs.
Identifiers: ClinVar variation 2692521 (VCV002692521.1), dbSNP rs776813452, ClinGen allele CA2653181964.